The following is an entry in ClinVar:

NM_007167.4(ZMYM6):c.82G>C (p.Asp28His)

Gene: ZMYM6 (zinc finger MYM-type containing 6; minus strand). Cytogenetic location: 1p34.3.
Variant type: single nucleotide variant.
Coding change: c.82G>C on transcript NM_007167.4 (MANE Select); coding-DNA position 82, G replaced by C.
Protein change: p.Asp28His; replaces aspartic acid 28 with histidine.
Molecular consequence: missense variant.
Genome position (GRCh38, 1-based): chr1:35,030,558, C>G on the plus strand (G>C on the coding strand, the complement: ZMYM6 is on the minus strand). VCF-style: chr1-35030558-C-G. GRCh37 (hg19) VCF-style: chr1-35496159-C-G.
Other names: short protein forms D28H.
Identifiers: ClinVar variation 3041455 (VCV003041455.2), dbSNP rs139761789, ClinGen allele CA756871.

ClinVar aggregate classification (germline): Likely benign (0 of 4 stars; one submission).

Conditions:
ZMYM6-related disorder. Also called: ZMYM6-related condition.

Allele frequency attached by ClinVar (database versions not stated): gnomAD 0.00043; ESP Exome Variant Server 0.00077.
gnomAD v4.1: 1,026 of 1,611,978 alleles (0.064%); highest among the groups gnomAD compares: Middle Eastern, 0.16%; 3 homozygotes.

Submission:

PreventionGenetics, part of Exact Sciences
Classification: Likely benign for ZMYM6-related condition. Last evaluated: 2019-05-13. Review status: no assertion criteria provided. Collection method: clinical testing. Allele origin: germline.
Comment: This variant is classified as likely benign based on ACMG/AMP sequence variant interpretation guidelines (Richards et al. 2015 PMID: 25741868, with internal and published modifications).